The following is an entry in ClinVar:

NM_001161352.2(KCNMA1):c.62G>A (p.Ser21Asn)

Gene: KCNMA1 (potassium calcium-activated channel subfamily M alpha 1; minus strand). Cytogenetic location: 10q22.3.
Variant type: single nucleotide variant.
Coding change: c.62G>A on transcript NM_001161352.2 (MANE Select); coding-DNA position 62, G replaced by A.
Protein change: p.Ser21Asn; replaces serine 21 with asparagine.
Molecular consequence: missense variant.
Genome position (GRCh38, 1-based): chr10:77,637,581, C>T on the plus strand (G>A on the coding strand, the complement: KCNMA1 is on the minus strand). VCF-style: chr10-77637581-C-T. GRCh37 (hg19) VCF-style: chr10-79397339-C-T.
Other names: c.62G>A, p.Ser21Asn (NM_001271522.2, NM_001322829.2, NM_001322830.2 and 12 more transcripts); short protein forms S21N.
Identifiers: ClinVar variation 193224 (VCV000193224.19), dbSNP rs794726902, ClinGen allele CA238735.

ClinVar aggregate classification (germline): Uncertain significance. Review status: criteria provided, multiple submitters, no conflicts (2 of 4 stars). 4 submissions from 4 submitters: Uncertain significance (4). Last evaluated 2026-01-19.

Conditions:
Inborn genetic diseases. Identifiers: MedGen C0950123, MeSH D030342.
Generalized epilepsy-paroxysmal dyskinesia syndrome (PNKD3). Also called: Paroxysmal nonkinesigenic dyskinesia, 3, with or without generalized epilepsy; Generalized epilepsy and paroxysmal dyskinesia. Identifiers: Orphanet 79137, MedGen C5574945, MONDO:0012276, OMIM 609446.

Allele frequency attached by ClinVar (database versions not stated): gnomAD exomes 0.00001 and 0.00002; gnomAD 0.00012; TOPMed 0.00018; 1000 Genomes Project 30x 0.00031.
gnomAD v4.1: 24 of 1,532,916 alleles (0.0016%); highest among the groups gnomAD compares: Admixed American, 0.042%; no homozygotes.

Submissions (4):

Labcorp Genetics (formerly Invitae), Labcorp
Classification: Uncertain significance for Generalized epilepsy-paroxysmal dyskinesia syndrome. Last evaluated: 2026-01-19. Review status: criteria provided, single submitter. Criteria: Invitae Variant Classification Sherloc (09022015). Collection method: clinical testing. Allele origin: germline.
Comment: This sequence change replaces serine, which is neutral and polar, with asparagine, which is neutral and polar, at codon 21 of the KCNMA1 protein (p.Ser21Asn). The frequency data for this variant in the population databases is considered unreliable, as metrics indicate poor data quality at this position in the gnomAD database. This variant has not been reported in the literature in individuals affected with KCNMA1-related conditions. ClinVar contains an entry for this variant (Variation ID: 193224). Experimental studies and prediction algorithms are not available or were not evaluated, and the functional significance of this variant is currently unknown. In summary, the available evidence is currently insufficient to determine the role of this variant in disease. Therefore, it has been classified as a Variant of Uncertain Significance.

GeneDx
Classification: Uncertain significance. Last evaluated: 2025-12-19. Review status: criteria provided, single submitter. Criteria: GeneDx Variant Classification Process June 2021. Collection method: clinical testing. Allele origin: germline. Affected: yes.
Comment: In silico analysis suggests that this missense variant does not alter protein structure/function; Has not been previously published as pathogenic or benign to our knowledge

Ambry Genetics
Classification: Uncertain significance for Inborn genetic diseases. Last evaluated: 2021-06-18. Review status: criteria provided, single submitter. Criteria: Ambry Variant Classification Scheme 2023. Collection method: clinical testing. Allele origin: germline.

Eurofins Ntd Llc (ga)
Classification: Uncertain significance. Last evaluated: 2015-04-14. Review status: criteria provided, single submitter. Criteria: EGL Classification Definitions 2015. Collection method: clinical testing. Allele origin: germline. Observed: 1 variant allele, 1 heterozygote.